The following is an entry in ClinVar:

ClinVar aggregate classification (germline): Uncertain significance (1 of 4 stars; one submission).

Conditions:
Hereditary cancer-predisposing syndrome. Also called: Neoplastic Syndromes, Hereditary; Tumor predisposition; Hereditary Cancer Syndrome; Hereditary neoplastic syndrome. Identifiers: Orphanet 140162, MedGen C0027672, MeSH D009386, MONDO:0015356.

Submission:

Ambry Genetics
Classification: Uncertain significance for Hereditary cancer-predisposing syndrome. Last evaluated: 2025-12-08. Review status: criteria provided, single submitter. Criteria: Ambry Variant Classification Scheme 2023. Collection method: clinical testing. Allele origin: germline.
Comment: The c.1390+2dupT intronic variant, results from a duplication of two nucleotides at nucleotide position 1390 after intron 9 of the FH gene. This nucleotide position is highly conserved in available vertebrate species. In silico splice site analysis predicts that this alteration may weaken the native splice donor site. RNA studies have demonstrated that this alteration results in a splice defect; the clinical impact of this abnormal splicing is unknown at this time (Ambry internal data). Based on the available evidence, the clinical significance of this variant remains unclear.

NM_000143.4(FH):c.1390+2dup

Gene: FH (fumarate hydratase; minus strand). Cytogenetic location: 1q43.
Variant type: Duplication.
Coding change: c.1390+2dup on transcript NM_000143.4 (MANE Select); the canonical splice donor site of the intron after coding-DNA position 1390, one base duplicated (T; older notation c.1390+2dupT).
Molecular consequence: splice donor variant.
Genome position (GRCh38, 1-based): chr1:241,500,435, A duplicated on the plus strand (T on the coding strand, the reverse complement: FH is on the minus strand). VCF-style (leftmost placement, unchanged base first): chr1-241500434-T-TA. GRCh37 (hg19) VCF-style: chr1-241663734-T-TA.
Identifiers: ClinVar variation 4641847 (VCV004641847.1).